The following is an entry in ClinVar:

NM_014254.3(RXYLT1):c.533_536dup (p.Gln179fs)

Gene: RXYLT1 (ribitol xylosyltransferase 1; plus strand). Cytogenetic location: 12q14.2.
Variant type: Duplication.
Coding change: c.533_536dup on transcript NM_014254.3 (MANE Select); coding-DNA positions 533 to 536, 4 bases duplicated (CCCA; older notation c.533_536dupCCCA).
Protein change: p.Gln179fs; shifts the reading frame from glutamine 179.
Molecular consequence: frameshift variant. On other transcripts: 5 prime UTR variant (1).
Genome position (GRCh38, 1-based): chr12:63,802,195-63,802,198, CCCA duplicated; duplicating any 4 consecutive bases within chr12:63,802,192-63,802,198 gives the same sequence; the c. name uses the placement nearest the transcript's 3' end. VCF-style (leftmost placement, unchanged base first): chr12-63802191-G-GCCAC. GRCh37 (hg19) VCF-style: chr12-64195971-G-GCCAC.
Other names: c.-248_-245dup (NM_001278237.2); short protein forms Q179fs.
Identifiers: ClinVar variation 3696338 (VCV003696338.2).

ClinVar aggregate classification (germline): Pathogenic (1 of 4 stars; one submission).

Submission:

Labcorp Genetics (formerly Invitae), Labcorp
Classification: Pathogenic. Last evaluated: 2024-03-13. Review status: criteria provided, single submitter. Criteria: Invitae Variant Classification Sherloc (09022015). Collection method: clinical testing. Allele origin: germline.
Comment: This sequence change creates a premature translational stop signal (p.Gln179Hisfs*27) in the RXYLT1 gene. It is expected to result in an absent or disrupted protein product. Loss-of-function variants in RXYLT1 are known to be pathogenic (PMID: 23217329, 23519211, 31742715). This variant is present in population databases (rs756441155, gnomAD 0.0009%). This variant has not been reported in the literature in individuals affected with RXYLT1-related conditions. For these reasons, this variant has been classified as Pathogenic.

Literature cited by the submitters: PubMed 23217329; PubMed 23519211; PubMed 31742715.